The following is an entry in ClinVar:

NM_001079802.2(FKTN):c.766C>T (p.Arg256Ter)

Gene: FKTN (fukutin; plus strand). Cytogenetic location: 9q31.2.
Variant type: single nucleotide variant.
Coding change: c.766C>T on transcript NM_001079802.2 (MANE Select); coding-DNA position 766, C replaced by T.
Protein change: p.Arg256Ter; replaces arginine 256 with a stop codon.
Molecular consequence: nonsense. On other transcripts: non-coding transcript variant (2).
Genome position (GRCh38, 1-based): chr9:105,607,937, C>T. VCF-style: chr9-105607937-C-T. GRCh37 (hg19) VCF-style: chr9-108370218-C-T.
Other names: p.Arg256*; c.766C>T, p.Arg256Ter (NM_001198963.2, NM_001351496.2, NM_001351498.2 and 1 more transcripts); c.697C>T, p.Arg233Ter (NM_001351497.2); c.370C>T, p.Arg124Ter (NM_001351499.2, NM_001351500.2, NM_001351501.2 and 1 more transcripts); short protein forms R233*, R124*, R256*.
Identifiers: ClinVar variation 842124 (VCV000842124.20), dbSNP rs377417974, ClinGen allele CA5170477.

ClinVar aggregate classification (germline): Conflicting classifications of pathogenicity. Review status: criteria provided, conflicting classifications (1 of 4 stars). 9 submissions from 9 submitters: Pathogenic (6); Likely pathogenic (2); Uncertain significance (1). Last evaluated 2026-01-09.

Conditions:
Cardiovascular phenotype. Identifiers: MedGen CN230736.
Walker-Warburg congenital muscular dystrophy. Also called: Muscular dystrophy-dystroglycanopathy, type A; Walker-Warburg syndrome. Identifiers: Orphanet 899, MedGen C0265221, MONDO:0000171.
Dilated cardiomyopathy 1X (CMD1X). Also called: FKTN-Related Dilated Cardiomyopathy; CARDIOMYOPATHY, DILATED, WITH MILD OR NO PROXIMAL MUSCLE WEAKNESS. Identifiers: Orphanet 154, MedGen C1969024, MONDO:0012704, OMIM 611615.
Muscular dystrophy-dystroglycanopathy (congenital with brain and eye anomalies), type A, 4 (MDDGA4). Also called: Fukuyama congenital muscular dystrophy; Walker-Warburg Syndrome, Fktn-Related; Congenital muscular dystrophy-dystroglycanopathy with brain and eye anomalies, type A4; WALKER-WARBURG SYNDROME OR MUSCLE-EYE-BRAIN DISEASE, FKTN-RELATED; Muscular dystrophy, congenital progressive, with mental retardation; Muscular dystrophy, congenital, with central nervous system involvement. Identifiers: Orphanet 272, Orphanet 588, Orphanet 899, MedGen C0410174, MONDO:0009678, OMIM 253800.
Muscular dystrophy-dystroglycanopathy (congenital with brain and eye anomalies), type A1 (MDDGA1). Also called: WALKER-WARBURG SYNDROME OR MUSCLE-EYE-BRAIN DISEASE, POMT1-RELATED; Hydrocephalus, agyria and retinal dysplasia; Hard +/- E syndrome; Warburg syndrome; Chemke syndrome; Pagon syndrome. Identifiers: Orphanet 588, Orphanet 899, MedGen C4284790, MONDO:0009364, OMIM 236670.
Autosomal recessive limb-girdle muscular dystrophy type 2M. Also called: MUSCULAR DYSTROPHY, LIMB-GIRDLE, TYPE 2M; MUSCULAR DYSTROPHY-DYSTROGLYCANOPATHY (LIMB-GIRDLE), TYPE C, 4. Identifiers: Orphanet 206554, MedGen C1969040, MONDO:0012699, OMIM 611588.
Muscular dystrophy-dystroglycanopathy (congenital without impaired intellectual development), type B, 4. Also called: MUSCULAR DYSTROPHY, CONGENITAL, FKTN-RELATED; Muscular dystrophy-dystroglycanopathy (congenital without intellectual disability), type B4. Identifiers: MedGen C2751052, MONDO:0013156, OMIM 613152.

Allele frequency attached by ClinVar (database versions not stated): TOPMed 0.00003; ESP Exome Variant Server 0.00008.
gnomAD v4.1: 14 of 1,611,734 alleles (0.00087%); highest among the groups gnomAD compares: African/African-American, 0.0067%; no homozygotes.

Submissions (9):

Labcorp Genetics (formerly Invitae), Labcorp
Classification: Pathogenic for Walker-Warburg congenital muscular dystrophy. Last evaluated: 2026-01-09. Review status: criteria provided, single submitter. Criteria: Invitae Variant Classification Sherloc (09022015). Collection method: clinical testing. Allele origin: germline.
Comment: This sequence change creates a premature translational stop signal (p.Arg256*) in the FKTN gene. It is expected to result in an absent or disrupted protein product. Loss-of-function variants in FKTN are known to be pathogenic (PMID: 17044012, 17878207, 18752264). The frequency data for this variant in the population databases is considered unreliable, as metrics indicate poor data quality at this position in the gnomAD database. This premature translational stop signal has been observed in individual(s) with hyperCKemia (PMID: 24144914). ClinVar contains an entry for this variant (Variation ID: 842124). Algorithms developed to predict the effect of sequence changes on RNA splicing suggest that this variant may disrupt the consensus splice site. For these reasons, this variant has been classified as Pathogenic.

Mayo Clinic Laboratories, Mayo Clinic
Classification: Pathogenic. Last evaluated: 2025-08-28. Review status: criteria provided, single submitter. Criteria: ACMG Guidelines, 2015. Collection method: clinical testing. Allele origin: germline. Observed: 1 variant allele.
Comment: PP4, PM2_supporting, PVS1

GeneDx
Classification: Uncertain significance. Last evaluated: 2025-07-11. Review status: criteria provided, single submitter. Criteria: GeneDx Variant Classification Process June 2021. Collection method: clinical testing. Allele origin: germline. Affected: yes.
Comment: Nonsense variant predicted to result in protein truncation or nonsense mediated decay in a gene for which loss of function is a known mechanism of disease; Observed with another variant in a patient with hyperCKemia in published literature (PMID: 24144914); This variant is associated with the following publications: (PMID: 24144914)

Natera, Inc.
Classification: Likely pathogenic for Walker-Warburg congenital muscular dystrophy. Last evaluated: 2025-03-13. Review status: criteria provided, single submitter. Criteria: Natera Variant Classification Schema (03/2026). Collection method: clinical testing. Allele origin: germline.
Comment: The c.766C>T variant in FKTN is a nonsense variant predicted to introduce a stop codon at amino acid 256. This variant is expected to result in nonsense mediated decay, truncation, or a dysfunctional protein product. This variant is rare in the general population with a frequency below the threshold expected for the associated phenotype(s). Given the available evidence, this variant is classified as Likely Pathogenic.

Ambry Genetics
Classification: Pathogenic for Cardiovascular phenotype. Last evaluated: 2024-10-03. Review status: criteria provided, single submitter. Criteria: Ambry Variant Classification Scheme 2023. Collection method: clinical testing. Allele origin: germline.
Comment: The p.R256* pathogenic mutation (also known as c.766C>T), located in coding exon 5 of the FKTN gene, results from a C to T substitution at nucleotide position 766. This changes the amino acid from an arginine to a stop codon within coding exon 5. This alteration is expected to result in loss of function by premature protein truncation or nonsense-mediated mRNA decay. As such, this alteration is interpreted as a disease-causing mutation.

Revvity Omics, Revvity
Classification: Pathogenic. Last evaluated: 2024-07-19. Review status: criteria provided, single submitter. Criteria: ACMG Guidelines, 2015. Collection method: clinical testing. Allele origin: germline.

Baylor Genetics
Classification: Pathogenic for Dilated cardiomyopathy 1X. Last evaluated: 2024-02-28. Review status: criteria provided, single submitter. Criteria: ACMG Guidelines, 2015. Collection method: clinical testing. Allele origin: unknown.

Fulgent Genetics
Classification: Likely pathogenic for Muscular dystrophy-dystroglycanopathy (congenital with brain and eye anomalies), type A1; Muscular dystrophy-dystroglycanopathy (congenital with brain and eye anomalies), type A, 4; Autosomal recessive limb-girdle muscular dystrophy type 2M; Dilated cardiomyopathy 1X; Muscular dystrophy-dystroglycanopathy (congenital without impaired intellectual development), type B, 4. Last evaluated: 2021-10-17. Review status: criteria provided, single submitter. Criteria: ACMG Guidelines, 2015. Collection method: clinical testing. Allele origin: unknown.

Juno Genomics, Hangzhou Juno Genomics, Inc
Classification: Pathogenic for Muscular dystrophy-dystroglycanopathy (congenital without impaired intellectual development), type B, 4; Dilated cardiomyopathy 1X; Muscular dystrophy-dystroglycanopathy (congenital with brain and eye anomalies), type A, 4; Autosomal recessive limb-girdle muscular dystrophy type 2M. Review status: criteria provided, single submitter. Criteria: ACMG Guidelines, 2015. Collection method: clinical testing. Allele origin: germline.
Comment: Absent from controls (or at extremely low frequency if recessive) in Genome Aggregation Database.;Null variant in a gene where loss of function (LOF) is a known mechanism of disease.;For recessive disorders, detected in trans with a pathogenic variant.

Literature cited by the submitters: PubMed 17044012 (cited by Labcorp Genetics (formerly Invitae), Labcorp); PubMed 17878207 (cited by Labcorp Genetics (formerly Invitae), Labcorp); PubMed 18752264 (cited by Labcorp Genetics (formerly Invitae), Labcorp); PubMed 24144914 (cited by 3 submitters).